The following is an entry in ClinVar:

NM_007294.4(BRCA1):c.3979C>G (p.Gln1327Glu)

Genes: BRCA1 (BRCA1 DNA repair associated; minus strand), LOC126862571 (BRD4-independent group 4 enhancer GRCh37_chr17:41243136-41244335; plus strand). Cytogenetic location: 17q21.31.
Variant type: single nucleotide variant.
Coding change: c.3979C>G on transcript NM_007294.4 (MANE Select); coding-DNA position 3979, C replaced by G.
Protein change: p.Gln1327Glu; replaces glutamine 1327 with glutamic acid.
Molecular consequence: missense variant. On other transcripts: intron variant (135).
Genome position (GRCh38, 1-based): chr17:43,091,552, G>C on the plus strand (C>G on the coding strand, the complement: BRCA1 is on the minus strand). VCF-style: chr17-43091552-G-C. GRCh37 (hg19) VCF-style: chr17-41243569-G-C.
Other names: c.3979C>G, p.Gln1327Glu (NM_001407641.1, NM_001407642.1, NM_001407652.1 and 30 more transcripts); c.3976C>G, p.Gln1326Glu (NM_001407644.1, NM_001407645.1, NM_001407860.1 and 22 more transcripts); c.3970C>G, p.Gln1324Glu (NM_001407646.1, NM_001407647.1); c.3856C>G, p.Gln1286Glu (NM_001407648.1, NM_001407664.1, NM_001407665.1 and 19 more transcripts); c.3853C>G, p.Gln1285Glu (NM_001407649.1, NM_001407670.1, NM_001407671.1 and 11 more transcripts); c.3901C>G, p.Gln1301Glu (NM_001407653.1, NM_001407654.1, NM_001407655.1 and 4 more transcripts); c.3898C>G, p.Gln1300Glu (NM_001407659.1, NM_001407660.1, NM_001407661.1 and 1 more transcripts); c.3838C>G, p.Gln1280Glu (NM_001407692.1, NM_001407694.1, NM_001407695.1 and 29 more transcripts); and 41 more; short protein forms Q1280E, Q1327E, Q1031E, Q1159E, Q1200E, Q1257E, Q1260E, Q1301E.
Identifiers: ClinVar variation 824454 (VCV000824454.10), dbSNP rs876659720, ClinGen allele CA10594006.

ClinVar aggregate classification (germline): Conflicting classifications of pathogenicity. Review status: criteria provided, conflicting classifications (1 of 4 stars). 3 submissions from 3 submitters: Uncertain significance (2); Likely benign (1). Last evaluated 2025-04-10.

Conditions:
Hereditary cancer-predisposing syndrome. Also called: Neoplastic Syndromes, Hereditary; Tumor predisposition; Hereditary neoplastic syndrome; Hereditary Cancer Syndrome. Identifiers: Orphanet 140162, MedGen C0027672, MeSH D009386, MONDO:0015356.

Submissions (3):

Ambry Genetics
Classification: Uncertain significance for Hereditary cancer-predisposing syndrome. Last evaluated: 2025-04-10. Review status: criteria provided, single submitter. Criteria: Ambry Variant Classification Scheme 2023. Collection method: clinical testing. Allele origin: germline.
Comment: The p.Q1327E variant (also known as c.3979C>G), located in coding exon 9 of the BRCA1 gene, results from a C to G substitution at nucleotide position 3979. The glutamine at codon 1327 is replaced by glutamic acid, an amino acid with highly similar properties. This amino acid position is not well conserved in available vertebrate species. In addition, the in silico prediction for this alteration is inconclusive. Based on the available evidence, the clinical significance of this variant remains unclear.

University of Washington Department of Laboratory Medicine, University of Washington
Classification: Likely benign for Hereditary cancer-predisposing syndrome. Last evaluated: 2023-03-23. Review status: criteria provided, single submitter. Criteria: Dines et al. (Genet Med. 2020). Collection method: curation. Allele origin: germline.
Comment: Missense variant in a coldspot region where missense variants are very unlikely to be pathogenic (PMID:31911673).

BRCA1 coldspot (exon 11 using historical exon numbering). Reclassification based on statistical prior probability

Color Diagnostics, LLC DBA Color Health
Classification: Uncertain significance for Hereditary cancer-predisposing syndrome. Last evaluated: 2021-07-15. Review status: criteria provided, single submitter. Criteria: ACMG Guidelines, 2015. Collection method: clinical testing. Allele origin: germline.
Comment: This missense variant replaces glutamine with glutamic acid at codon 1327 of the BRCA1 protein. Computational prediction is inconclusive regarding the impact of this variant on protein structure and function (internally defined REVEL score threshold 0.5 < inconclusive < 0.7, PMID: 27666373). To our knowledge, functional studies have not been reported for this variant. This variant has not been reported in individuals affected with hereditary cancer in the literature. This variant has not been identified in the general population by the Genome Aggregation Database (gnomAD). The available evidence is insufficient to determine the role of this variant in disease conclusively. Therefore, this variant is classified as a Variant of Uncertain Significance.